The following is an entry in ClinVar:

ClinVar aggregate classification (germline): Uncertain significance (1 of 4 stars; one submission).

Allele frequency attached by ClinVar (database versions not stated): gnomAD exomes below 0.00001; TOPMed below 0.00001.
gnomAD v4.1: 1 of 1,613,820 alleles (0.000062%); highest among the groups gnomAD compares: Non-Finnish European, 0.000085%; no homozygotes.

Submission:

Labcorp Genetics (formerly Invitae), Labcorp
Classification: Uncertain significance. Last evaluated: 2022-05-07. Review status: criteria provided, single submitter. Criteria: Invitae Variant Classification Sherloc (09022015). Collection method: clinical testing. Allele origin: germline.
Comment: In summary, the available evidence is currently insufficient to determine the role of this variant in disease. Therefore, it has been classified as a Variant of Uncertain Significance. Algorithms developed to predict the effect of missense changes on protein structure and function output the following: SIFT: "Tolerated"; PolyPhen-2: "Benign"; Align-GVGD: "Class C0". The isoleucine amino acid residue is found in multiple mammalian species, which suggests that this missense change does not adversely affect protein function. This variant has not been reported in the literature in individuals affected with IL12RB2-related conditions. This variant is not present in population databases (gnomAD no frequency). This sequence change replaces threonine, which is neutral and polar, with isoleucine, which is neutral and non-polar, at codon 144 of the IL12RB2 protein (p.Thr144Ile).

NM_001374259.2(IL12RB2):c.431C>T (p.Thr144Ile)

Gene: IL12RB2 (interleukin 12 receptor subunit beta 2; plus strand). Cytogenetic location: 1p31.3.
Variant type: single nucleotide variant.
Coding change: c.431C>T on transcript NM_001374259.2 (MANE Select); coding-DNA position 431, C replaced by T.
Protein change: p.Thr144Ile; replaces threonine 144 with isoleucine.
Molecular consequence: missense variant. On other transcripts: non-coding transcript variant (2).
Genome position (GRCh38, 1-based): chr1:67,326,801, C>T. VCF-style: chr1-67326801-C-T. GRCh37 (hg19) VCF-style: chr1-67792484-C-T.
Other names: c.431C>T, p.Thr144Ile (NM_001258214.1, NM_001258215.1, NM_001258216.1 and 2 more transcripts); short protein forms T144I.
Identifiers: ClinVar variation 2124860 (VCV002124860.4), dbSNP rs1204575816, ClinGen allele CA340731970.